The following is an entry in ClinVar:

NM_005816.5(CD96):c.1618C>T (p.Pro540Ser)

Gene: CD96 (CD96 molecule; plus strand). Cytogenetic location: 3q13.2.
Variant type: single nucleotide variant.
Coding change: c.1618C>T on transcript NM_005816.5 (MANE Select); coding-DNA position 1618, C replaced by T.
Protein change: p.Pro540Ser; replaces proline 540 with serine.
Molecular consequence: missense variant. On other transcripts: non-coding transcript variant (1).
Genome position (GRCh38, 1-based): chr3:111,649,714, C>T. VCF-style: chr3-111649714-C-T. GRCh37 (hg19) VCF-style: chr3-111368561-C-T.
Other names: c.1666C>T, p.Pro556Ser (NM_198196.3); short protein forms P540S, P556S.
Identifiers: ClinVar variation 1028427 (VCV001028427.1), dbSNP rs1939992902, ClinGen allele CA353989593.

ClinVar aggregate classification (germline): Uncertain significance (1 of 4 stars; one submission).

Conditions:
C syndrome. Also called: OPITZ TRIGONOCEPHALY SYNDROME; TRIGONOCEPHALY SYNDROME. Identifiers: Orphanet 1308, MedGen C0796095, MONDO:0008893, OMIM 211750.

gnomAD v4.1: 1 of 1,613,004 alleles (0.000062%); highest among the groups gnomAD compares: African/African-American, 0.0013%; no homozygotes.

Submission:

Baylor Genetics
Classification: Uncertain significance for C syndrome. Last evaluated: 2020-06-03. Review status: criteria provided, single submitter. Criteria: ACMG Guidelines, 2015. Collection method: clinical testing. Allele origin: unknown. Affected: yes.
Comment: This variant was determined to be of uncertain significance according to ACMG Guidelines, 2015 [PMID:25741868].